The following is an entry in ClinVar:

NM_001378452.1(ITPR1):c.6852G>T (p.Trp2284Cys)

Gene: ITPR1 (inositol 1,4,5-trisphosphate receptor type 1; plus strand). Cytogenetic location: 3p26.1.
Variant type: single nucleotide variant.
Coding change: c.6852G>T on transcript NM_001378452.1 (MANE Select); coding-DNA position 6852, G replaced by T.
Protein change: p.Trp2284Cys; replaces tryptophan 2284 with cysteine.
Molecular consequence: missense variant.
Genome position (GRCh38, 1-based): chr3:4,795,108, G>T. VCF-style: chr3-4795108-G-T. GRCh37 (hg19) VCF-style: chr3-4836792-G-T.
Other names: c.6708G>T, p.Trp2236Cys (NM_001099952.4); c.6807G>T, p.Trp2269Cys (NM_001168272.2); c.6663G>T, p.Trp2221Cys (NM_002222.7); short protein forms W2221C, W2236C, W2269C, W2284C.
Identifiers: ClinVar variation 3573692 (VCV003573692.1).

ClinVar aggregate classification (germline): Uncertain significance (1 of 4 stars; one submission).

Submission:

GeneDx
Classification: Uncertain significance. Last evaluated: 2024-07-18. Review status: criteria provided, single submitter. Criteria: GeneDx Variant Classification Process June 2021. Collection method: clinical testing. Allele origin: germline. Affected: yes.
Comment: Not observed at significant frequency in large population cohorts (gnomAD); In silico analysis supports that this missense variant has a deleterious effect on protein structure/function; Has not been previously published as pathogenic or benign to our knowledge; In silico analysis is inconclusive as to whether the variant alters gene splicing. In the absence of RNA/functional studies, the actual effect of this sequence change is unknown.